The following is an entry in ClinVar:

NM_198994.3(TGM6):c.514A>G (p.Ile172Val)

Gene: TGM6 (transglutaminase 6; plus strand). Cytogenetic location: 20p13.
Variant type: single nucleotide variant.
Coding change: c.514A>G on transcript NM_198994.3 (MANE Select); coding-DNA position 514, A replaced by G.
Protein change: p.Ile172Val; replaces isoleucine 172 with valine.
Molecular consequence: missense variant.
Genome position (GRCh38, 1-based): chr20:2,396,595, A>G. VCF-style: chr20-2396595-A-G. GRCh37 (hg19) VCF-style: chr20-2377241-A-G.
Other names: c.514A>G, p.Ile172Val (NM_001254734.2); short protein forms I172V.
Identifiers: ClinVar variation 2855553 (VCV002855553.3), dbSNP rs1277877782, ClinGen allele CA408010039.

ClinVar aggregate classification (germline): Uncertain significance (1 of 4 stars; one submission).

Submission:

Labcorp Genetics (formerly Invitae), Labcorp
Classification: Uncertain significance. Last evaluated: 2023-04-20. Review status: criteria provided, single submitter. Criteria: Invitae Variant Classification Sherloc (09022015). Collection method: clinical testing. Allele origin: germline.
Comment: This variant has not been reported in the literature in individuals affected with TGM6-related conditions. This sequence change replaces isoleucine, which is neutral and non-polar, with valine, which is neutral and non-polar, at codon 172 of the TGM6 protein (p.Ile172Val). This variant is not present in population databases (gnomAD no frequency). In summary, the available evidence is currently insufficient to determine the role of this variant in disease. Therefore, it has been classified as a Variant of Uncertain Significance. Advanced modeling of protein sequence and biophysical properties (such as structural, functional, and spatial information, amino acid conservation, physicochemical variation, residue mobility, and thermodynamic stability) performed at Invitae indicates that this missense variant is not expected to disrupt TGM6 protein function. Algorithms developed to predict the effect of sequence changes on RNA splicing suggest that this variant may disrupt the consensus splice site.